The following is an entry in ClinVar:

NM_003476.5(CSRP3):c.141G>A (p.Thr47=)

Gene: CSRP3 (cysteine and glycine rich protein 3; minus strand). Cytogenetic location: 11p15.1.
Variant type: single nucleotide variant.
Coding change: c.141G>A on transcript NM_003476.5 (MANE Select); coding-DNA position 141, G replaced by A.
Protein change: p.Thr47=; no amino-acid change (threonine 47 retained).
Molecular consequence: synonymous variant. On other transcripts: intron variant (1).
Genome position (GRCh38, 1-based): chr11:19,188,276, C>T on the plus strand (G>A on the coding strand, the complement: CSRP3 is on the minus strand). VCF-style: chr11-19188276-C-T. GRCh37 (hg19) VCF-style: chr11-19209823-C-T.
Other names: c.141G>A (LRG_440t1); c.113-1928G>A (NM_001369404.1).
Identifiers: ClinVar variation 380127 (VCV000380127.9), dbSNP rs758842207, ClinGen allele CA5916641.

ClinVar aggregate classification (germline): Likely benign. Review status: criteria provided, multiple submitters, no conflicts (2 of 4 stars). 3 submissions from 3 submitters: Likely benign (3). Last evaluated 2025-08-27.

Conditions:
Hypertrophic cardiomyopathy 12. Identifiers: MedGen C2677491, MONDO:0012804, OMIM 612124.
Dilated cardiomyopathy 1M (CMD1M). Identifiers: Orphanet 154, MedGen C1843808, MONDO:0011840, OMIM 607482.

Allele frequency attached by ClinVar (database versions not stated): gnomAD exomes 0.00001; ExAC 0.00001; TOPMed 0.00002.
gnomAD v4.1: 14 of 1,612,602 alleles (0.00087%); highest among the groups gnomAD compares: South Asian, 0.0055%; no homozygotes.

Submissions (3):

Labcorp Genetics (formerly Invitae), Labcorp
Classification: Likely benign for Hypertrophic cardiomyopathy 12; Dilated cardiomyopathy 1M. Last evaluated: 2025-08-27. Review status: criteria provided, single submitter. Criteria: Invitae Variant Classification Sherloc (09022015). Collection method: clinical testing. Allele origin: germline.

GeneDx
Classification: Likely benign. Last evaluated: 2015-11-13. Review status: criteria provided, single submitter. Criteria: GeneDx Variant Classification (06012015). Collection method: clinical testing. Allele origin: germline. Affected: yes.
Comment: This variant is considered likely benign or benign based on one or more of the following criteria: it is a conservative change, it occurs at a poorly conserved position in the protein, it is predicted to be benign by multiple in silico algorithms, and/or has population frequency not consistent with disease.

Breakthrough Genomics
Classification: Likely benign. Review status: criteria provided, single submitter. Criteria: ACMG Guidelines, 2015. Collection method: not provided. Allele origin: germline. Inheritance: Autosomal dominant inheritance. Affected: yes.